The following is an entry in ClinVar:

NM_006218.4(PIK3CA):c.1682T>C (p.Ile561Thr)

Gene: PIK3CA (phosphatidylinositol-4,5-bisphosphate 3-kinase catalytic subunit alpha; plus strand). Cytogenetic location: 3q26.32.
Variant type: single nucleotide variant.
Coding change: c.1682T>C on transcript NM_006218.4 (MANE Select); coding-DNA position 1682, T replaced by C.
Protein change: p.Ile561Thr; replaces isoleucine 561 with threonine.
Molecular consequence: missense variant.
Genome position (GRCh38, 1-based): chr3:179,219,213, T>C. VCF-style: chr3-179219213-T-C. GRCh37 (hg19) VCF-style: chr3-178937001-T-C.
Other names: short protein forms I561T.
Identifiers: ClinVar variation 3225335 (VCV003225335.1), dbSNP rs2473526129, ClinGen allele CA355265423.

ClinVar aggregate classification (germline): Uncertain significance (1 of 4 stars; one submission).

Conditions:
Inborn genetic diseases. Identifiers: MedGen C0950123, MeSH D030342.

Allele frequency attached by ClinVar (database versions not stated): gnomAD exomes below 0.00001.

Submission:

Ambry Genetics
Classification: Uncertain significance for Inborn genetic diseases. Last evaluated: 2023-12-29. Review status: criteria provided, single submitter. Criteria: Ambry Variant Classification Scheme 2023. Collection method: clinical testing. Allele origin: germline.
Comment: The p.I561T variant (also known as c.1682T>C), located in coding exon 10 of the PIK3CA gene, results from a T to C substitution at nucleotide position 1682. The isoleucine at codon 561 is replaced by threonine, an amino acid with similar properties. This amino acid position is conserved. In addition, this alteration is predicted to be tolerated by in silico analysis. Since supporting evidence is limited at this time, the clinical significance of this alteration remains unclear.